The following continues an entry in ClinVar:

NM_138694.4(PKHD1):c.4870C>T (p.Arg1624Trp)

ClinVar aggregate classification (germline): Pathogenic/Likely pathogenic. Pathogenic (28); Likely pathogenic (6).

Submissions 33 to 40 of 40:

Neuberg Centre For Genomic Medicine, NCGM
Classification: Pathogenic for Polycystic kidney disease 4. Review status: criteria provided, single submitter. Criteria: ACMG Guidelines, 2015. Collection method: clinical testing. Allele origin: germline. Inheritance: Autosomal recessive inheritance. Affected: yes.
Comment: The missense variant c.4870C>T (p.Arg1624Trp) in PKHD1 gene has been identified in a total of nine individuals with autosomal recessive polycystic kidney disease (ARPKD), including two siblings from a consanguineous union who presented a milder, later-onset phenotype and carried the variant in a homozygous state, six individuals who carried the variant in a compound heterozygous state and presented a range of phenotypes, and one individual with a milder, later-onset phenotype who was heterozygous for the variant (Gunay-Aygun et al. 2010; Losekoot et al. 2005; Onuchic et al. 2002). The p.Arg1624Trp variant was also identified in a heterozygous state in a total of four unaffected parents of individuals with ARPKD and was absent from 60 controls (Onuchic et al. 2002). The observed variant has allele frequency of 0.02% in gnomAD exomes database. This variant has been submitted to the ClinVar database as Uncertain Significance / Likely Pathogenic / Pathogenic (multiple submissions). The amino acid change p.Arg1624Trp in PKHD1 is predicted as conserved by GERP++ and PhyloP across 100 vertebrates. The amino acid Arg at position 1624 is changed to a Trp changing protein sequence and it might alter its composition and physico-chemical properties. For these reasons, this variant has been classified as Pathogenic.

Suma Genomics
Classification: Likely pathogenic for Polycystic kidney disease 4. Review status: criteria provided, single submitter. Criteria: ACMG Guidelines, 2015. Collection method: clinical testing. Allele origin: germline. Inheritance: Autosomal recessive inheritance. Affected: yes. Observed: 1 homozygote.

PreventionGenetics, part of Exact Sciences
Classification: Pathogenic for PKHD1-related condition. Last evaluated: 2024-09-12. Review status: no assertion criteria provided. Collection method: clinical testing. Allele origin: germline. Not counted in ClinVar's aggregate classification.
Comment: The PKHD1 c.4870C>T variant is predicted to result in the amino acid substitution p.Arg1624Trp. This variant has been repeatedly reported in patients with later-onset autosomal recessive polycystic kidney disease (ARPKD), either in the homozygous state or in trans with another pathogenic PKHD1 variant (Onuchic et al. 2002. PubMed ID: 11898128; Sharp et al. 2005. PubMed ID: 15805161; Losekoot et al. 2005. PubMed ID: 16133180). This variant is reported in 0.022% of alleles in individuals of European (non-Finnish) descent in gnomAD. This variant is interpreted as pathogenic.

Laboratory of Gastroenterology and Hepatology, Radboud University Medical Center
Classification: Likely pathogenic for Autosomal dominant polycystic liver disease. Last evaluated: 2021-09-01. Review status: no assertion criteria provided. Collection method: research. Allele origin: germline. Affected: yes. Not counted in ClinVar's aggregate classification.

Biochemical Molecular Genetic Laboratory, King Abdulaziz Medical City
Classification: Likely pathogenic for Polycystic kidney disease 4. Last evaluated: 2019-09-26. Review status: no assertion criteria provided. Collection method: clinical testing. Allele origin: germline. Affected: yes. Not counted in ClinVar's aggregate classification.

Gharavi Laboratory, Columbia University
Classification: Likely pathogenic. Last evaluated: 2018-09-16. Review status: no assertion criteria provided. Criteria: ACMG Guidelines, 2015. Collection method: research. Allele origin: germline. Affected: yes. Not counted in ClinVar's aggregate classification.

Sydney Genome Diagnostics, Children's Hospital Westmead
Classification: Pathogenic for Autosomal recessive polycystic kidney disease. Last evaluated: 2018-07-24. Review status: no assertion criteria provided. Collection method: clinical testing. Allele origin: unknown. Affected: yes. Observed: 1 variant allele, 1 compound heterozygote. Not counted in ClinVar's aggregate classification.
Comment: This variant has been reported in the literature in several different families with autosomal recessive polycystic kidney disease (ARPKD) as both homozygous and compound heterozygous, usually associated with a late onset or milder phenotype (e.g. Onuchic et al 2002 Am J Hum Genet 70: 1305-1317; Sharp et al 2005 J Met Genet 42: 336-349; ). This variant has been reported in the gnomAD browser with a low allele frequency of 0.014% (40 out of 277,158 alleles). This variant is considered to be pathogenic according to the ACMG guidelines.

Department of Pathology and Laboratory Medicine, Sinai Health System
Classification: Likely pathogenic for Polycystic Kidney disease. Review status: no assertion criteria provided. Collection method: clinical testing. Allele origin: unknown. Affected: yes. Observed: 1 variant allele. Study: The Canadian Open Genetics Repository (COGR). Not counted in ClinVar's aggregate classification.
Comment: The PKHD1 p.Arg1624Trp variant was identified in 28 of 696 proband chromosomes (frequency: 0.04) from individuals or families with ARPKD and was not identified in 200 control chromosomes from healthy individuals (Edrees 2016,Gunay-Aygun 2010, Losekoot 2005, Melchionda 2016, Obeidova 2015, Sharp 2005). The variant was also identified in dbSNP (ID: rs200391019) as "With Pathogenic allele ", ClinVar (classified as pathogenic by Invitae, GeneDx and four clinical laboratories; as likely pathogenic by Counsyl; as uncertain significance by SIB Swiss Institute of Bioinformatics), LOVD 3.0 (3x), and in RWTH AAachen University ARPKD database (as pathogenic or probably pathogenic), databases. The variant was not identified in COGR database. The variant was identified in control databases in 40 of 277158 chromosomes at a frequency of 0.0001 (Genome Aggregation Database Feb 27, 2017). The variant was observed in the following populations: African in 1 of 24036 chromosomes (freq: 0.00004), Other in 3 of 6464 chromosomes (freq: 0.0005), Latino in 4 of 34420 chromosomes (freq: 0.0001), European in 28 of 126656 chromosomes (freq: 0.0002), Ashkenazi Jewish in 1 of 10144 chromosomes (freq: 0.0001), and South Asian in 3 of 30780 chromosomes (freq: 0.0001), while the variant was not observed in the East Asian, or Finnish populations. The p.Arg1624 residue is not conserved in mammals and computational analyses (PolyPhen-2, SIFT, AlignGVGD, BLOSUM, MutationTaster) provide inconsistent predictions regarding the impact to the protein; this information is not very predictive of pathogenicity. The variant occurs outside of the splicing consensus sequence and 1 of 4 in silico or computational prediction software programs (SpliceSiteFinder, MaxEntScan, NNSPLICE, GeneSplicer) predict a greater than 10% difference in splicing; this is not very predictive of pathogenicity. In summary, based on the above information the clinical significance of this variant cannot be determined with certainty at this time although we would lean towards a more pathogenic role for this variant. This variant is classified as likely pathogenic.

Literature cited by the submitters: PubMed 15805161 (cited by 3 submitters); PubMed 26695994 (cited by 5 submitters); PubMed 11898128 (cited by 7 submitters); PubMed 35715958 (cited by OLLIN Analises Genomicas, OLLIN); PubMed 16133180 (cited by 6 submitters); PubMed 19914852 (cited by 6 submitters); PubMed 27225849 (cited by Labcorp Genetics (formerly Invitae), Labcorp and Myriad Genetics, Inc.); PubMed 39071699 (cited by Dasa); PubMed 37850020 (cited by Dasa); PubMed 39467534 (cited by Dasa); PubMed 20301501 (cited by Victorian Clinical Genetics Services, Murdoch Childrens Research Institute); PubMed 36691356 (cited by Victorian Clinical Genetics Services, Murdoch Childrens Research Institute); PubMed 21945273 (cited by Victorian Clinical Genetics Services, Murdoch Childrens Research Institute); PubMed 12874454 (cited by SIB Swiss Institute of Bioinformatics); PubMed 25701400 (cited by SIB Swiss Institute of Bioinformatics); PubMed 27894351 (cited by Laboratory of Molecular Diagnosis of Genetic Disease, Università degli Studi di Napoli Federico II and Eurofins Ntd Llc (ga)); PubMed 32398770 (cited by Laboratory of Molecular Diagnosis of Genetic Disease, Università degli Studi di Napoli Federico II); PubMed 32574212 (cited by Laboratory of Molecular Diagnosis of Genetic Disease, Università degli Studi di Napoli Federico II); PubMed 32571524 (cited by Laboratory of Molecular Diagnosis of Genetic Disease, Università degli Studi di Napoli Federico II); PubMed 31980526 (cited by Laboratory of Molecular Diagnosis of Genetic Disease, Università degli Studi di Napoli Federico II); PubMed 32799815 (cited by Laboratory of Molecular Diagnosis of Genetic Disease, Università degli Studi di Napoli Federico II); PubMed 31130284 (cited by Laboratory of Molecular Diagnosis of Genetic Disease, Università degli Studi di Napoli Federico II); PubMed 31844813 (cited by Laboratory of Molecular Diagnosis of Genetic Disease, Università degli Studi di Napoli Federico II); PubMed 1189128 (cited by Department of Genetics, Sultan Qaboos University Hospital); PubMed 27151922 (cited by Eurofins Ntd Llc (ga)); PubMed 20413436 (cited by Lifecell International Pvt. Ltd); PubMed 29068549 (cited by Suma Genomics).